The following is an entry in ClinVar:

NM_001267550.2(TTN):c.50750G>T (p.Gly16917Val)

Genes: TTN (titin; minus strand), TTN-AS1 (TTN antisense RNA 1; plus strand). Cytogenetic location: 2q31.2.
Variant type: single nucleotide variant.
Coding change: c.50750G>T on transcript NM_001267550.2 (MANE Select); coding-DNA position 50750, G replaced by T.
Protein change: p.Gly16917Val; replaces glycine 16917 with valine.
Molecular consequence: missense variant.
Genome position (GRCh38, 1-based): chr2:178,611,479, C>A on the plus strand (G>T on the coding strand, the complement: TTN is on the minus strand). VCF-style: chr2-178611479-C-A. GRCh37 (hg19) VCF-style: chr2-179476206-C-A.
Other names: c.45827G>T, p.Gly15276Val (NM_001256850.1); c.23555G>T, p.Gly7852Val (NM_003319.4); c.43046G>T, p.Gly14349Val (NM_133378.4); c.23930G>T, p.Gly7977Val (NM_133432.3); c.24131G>T, p.Gly8044Val (NM_133437.4); short protein forms G14349V, G15276V, G16917V, G7852V, G7977V, G8044V.
Identifiers: ClinVar variation 1310990 (VCV001310990.2), dbSNP rs2154199784, ClinGen allele CA349592948.
Genomic context (GRCh38, chr2:178,611,479, plus strand): 5'-CTGACACCAATAGCATTGACTGCTCTCACTCTCAGGACATATTCTTTGTCAGGAACAACA[C>A]CTTCTTCAACCTTGAATTTCAAGTCCTTTATTGGGCGAGAATTAACTCTCATCCATTTCT-3'
Protein context (NP_001254479.2, residues 16907-16927): IKDLKFKVEE[Gly16917Val]VVPDKEYVLR

ClinVar aggregate classification (germline): Uncertain significance (1 of 4 stars; one submission).

Submission:

GeneDx
Classification: Uncertain significance. Last evaluated: 2019-12-17. Review status: criteria provided, single submitter. Criteria: GeneDx Variant Classification Process June 2021. Collection method: clinical testing. Allele origin: germline. Affected: yes.
Comment: Not observed in large population cohorts (Lek et al., 2016); Missense variant in a gene in which most reported pathogenic variants are truncating/loss-of-function; Has not been previously published as pathogenic or benign to our knowledge